The following is an entry in ClinVar:

NM_000439.5(PCSK1):c.2218C>T (p.Arg740Trp)

Genes: CAST (calpastatin; plus strand), PCSK1 (proprotein convertase subtilisin/kexin type 1; minus strand), LOC101929710 (uncharacterized LOC101929710; plus strand). Cytogenetic location: 5q15.
Variant type: single nucleotide variant.
Coding change: c.2218C>T on transcript NM_000439.5 (MANE Select); coding-DNA position 2218, C replaced by T.
Protein change: p.Arg740Trp; replaces arginine 740 with tryptophan.
Molecular consequence: missense variant. On other transcripts: intron variant (11).
Genome position (GRCh38, 1-based): chr5:96,393,045, G>A on the plus strand (C>T on the coding strand, the complement: PCSK1 is on the minus strand). VCF-style: chr5-96393045-G-A. GRCh37 (hg19) VCF-style: chr5-95728749-G-A.
Other names: c.2077C>T, p.Arg693Trp (NM_001177875.2); c.-175+13393G>A (NM_001423254.1, NM_001423259.1, NM_001423255.1 and 6 more transcripts); c.-103+13393G>A (NM_001423253.1); c.-40+13393G>A (NM_001423258.1); short protein forms R740W, R693W.
Identifiers: ClinVar variation 4981314 (VCV004981314.1).

ClinVar aggregate classification (germline): Uncertain significance (1 of 4 stars; one submission).

Conditions:
PCSK1-related disorder. Also called: PCSK1-related condition.

gnomAD v4.1: 170 of 1,614,004 alleles (0.011%); highest among the groups gnomAD compares: South Asian, 0.013%; no homozygotes.

Submission:

PreventionGenetics, part of Exact Sciences
Classification: Uncertain significance for PCSK1-related condition. Last evaluated: 2025-12-31. Review status: criteria provided, single submitter. Criteria: ACMG Guidelines, 2015. Collection method: clinical testing. Allele origin: germline.
Comment: The PCSK1 c.2218C>T variant is predicted to result in the amino acid substitution p.Arg740Trp. To our knowledge, this variant has not been reported in the literature. This variant is reported in 0.0098% of alleles in individuals of South Asian descent in gnomAD. At this time, the clinical significance of this variant is uncertain due to the absence of conclusive functional and genetic evidence.